The following is an entry in ClinVar:

ClinVar aggregate classification (germline): Uncertain significance (1 of 4 stars; one submission).

gnomAD v4.1: 3 of 1,339,308 alleles (0.00022%); highest among the groups gnomAD compares: Non-Finnish European, 0.00028%; no homozygotes.

Submission:

Labcorp Genetics (formerly Invitae), Labcorp
Classification: Uncertain significance. Last evaluated: 2022-12-12. Review status: criteria provided, single submitter. Criteria: Invitae Variant Classification Sherloc (09022015). Collection method: clinical testing. Allele origin: germline.
Comment: In summary, the available evidence is currently insufficient to determine the role of this variant in disease. Therefore, it has been classified as a Variant of Uncertain Significance. Algorithms developed to predict the effect of missense changes on protein structure and function (SIFT, PolyPhen-2, Align-GVGD) all suggest that this variant is likely to be tolerated. This variant has not been reported in the literature in individuals affected with CPOX-related conditions. This variant is not present in population databases (gnomAD no frequency). This sequence change replaces proline, which is neutral and non-polar, with serine, which is neutral and polar, at codon 50 of the CPOX protein (p.Pro50Ser).

NM_000097.7(CPOX):c.148C>T (p.Pro50Ser)

Genes: CPOX (coproporphyrinogen oxidase; minus strand), LOC129937121 (ATAC-STARR-seq lymphoblastoid silent region 14560; plus strand). Cytogenetic location: 3q11.2.
Variant type: single nucleotide variant.
Coding change: c.148C>T on transcript NM_000097.7 (MANE Select); coding-DNA position 148, C replaced by T.
Protein change: p.Pro50Ser; replaces proline 50 with serine.
Molecular consequence: missense variant.
Genome position (GRCh38, 1-based): chr3:98,593,357, G>A on the plus strand (C>T on the coding strand, the complement: CPOX is on the minus strand). VCF-style: chr3-98593357-G-A. GRCh37 (hg19) VCF-style: chr3-98312201-G-A.
Other names: short protein forms P50S.
Identifiers: ClinVar variation 2981482 (VCV002981482.3), dbSNP rs2472122714, ClinGen allele CA353647048.
Genomic context (GRCh38, chr3:98,593,357, plus strand): 5'-CTCTCGACGTCGAGCCGTGCCCCAGCCCGCGGCTCTGCTCCGTGCCAGCCGGGCCAGGGG[G>A]CCGGCAGACGCGTCCGGCTGCGCTGCGCTGGGACCAGGCTCGGAGCCCTCCGCCGCCGCA-3'
Protein context (NP_000088.3, residues 40-60): QRSAAGRVCR[Pro50Ser]PGPAGTEQSR